The following is an entry in ClinVar:

NM_000186.4(CFH):c.911G>A (p.Gly304Glu)

Gene: CFH (complement factor H; plus strand). Cytogenetic location: 1q31.3.
Variant type: single nucleotide variant.
Coding change: c.911G>A on transcript NM_000186.4 (MANE Select); coding-DNA position 911, G replaced by A.
Protein change: p.Gly304Glu; replaces glycine 304 with glutamic acid.
Molecular consequence: missense variant.
Genome position (GRCh38, 1-based): chr1:196,685,184, G>A. VCF-style: chr1-196685184-G-A. GRCh37 (hg19) VCF-style: chr1-196654314-G-A.
Other names: c.911G>A, p.Gly304Glu (NM_001014975.3); short protein forms G304E.
Identifiers: ClinVar variation 2088718 (VCV002088718.4), dbSNP rs1403000919, ClinGen allele CA343978795.
Genomic context (GRCh38, chr1:196,685,184, plus strand): 5'-ACAGAACTGGAGATGAAATCACGTACCAGTGTAGAAATGGTTTTTATCCTGCAACCCGGG[G>A]AAATACAGCAAAATGCACAAGTACTGGCTGGATACCTGCTCCGAGATGTACCTGTAAGTT-3'
Protein context (NP_000177.2, residues 294-314): CRNGFYPATR[Gly304Glu]NTAKCTSTGW

ClinVar aggregate classification (germline): Uncertain significance (1 of 4 stars; one submission).

Allele frequency attached by ClinVar (database versions not stated): gnomAD exomes below 0.00001.
gnomAD v4.1: 1 of 1,612,914 alleles (0.000062%); highest among the groups gnomAD compares: Non-Finnish European, 0.000085%; no homozygotes.

Submission:

Labcorp Genetics (formerly Invitae), Labcorp
Classification: Uncertain significance. Last evaluated: 2023-08-04. Review status: criteria provided, single submitter. Criteria: Invitae Variant Classification Sherloc (09022015). Collection method: clinical testing. Allele origin: germline.
Comment: This sequence change replaces glycine, which is neutral and non-polar, with glutamic acid, which is acidic and polar, at codon 304 of the CFH protein (p.Gly304Glu). In summary, the available evidence is currently insufficient to determine the role of this variant in disease. Therefore, it has been classified as a Variant of Uncertain Significance. This variant is present in population databases (no rsID available, gnomAD 0.0009%). This variant has not been reported in the literature in individuals affected with CFH-related conditions. ClinVar contains an entry for this variant (Variation ID: 2088718). Algorithms developed to predict the effect of missense changes on protein structure and function output the following: SIFT: "Not Available"; PolyPhen-2: "Benign"; Align-GVGD: "Not Available". The glutamic acid amino acid residue is found in multiple mammalian species, which suggests that this missense change does not adversely affect protein function.